The following is an entry in ClinVar:

ClinVar aggregate classification (germline): Uncertain significance (1 of 4 stars; one submission).

Conditions:
Hereditary cancer-predisposing syndrome. Also called: Tumor predisposition; Hereditary Cancer Syndrome; Hereditary neoplastic syndrome; Neoplastic Syndromes, Hereditary. Identifiers: Orphanet 140162, MedGen C0027672, MeSH D009386, MONDO:0015356.

Allele frequency attached by ClinVar (database versions not stated): ExAC 0.00001.

Submission:

Ambry Genetics
Classification: Uncertain significance for Hereditary cancer-predisposing syndrome. Last evaluated: 2023-07-12. Review status: criteria provided, single submitter. Criteria: Ambry Variant Classification Scheme 2023. Collection method: clinical testing. Allele origin: germline.
Comment: The p.E82D variant (also known as c.246A>C), located in coding exon 2 of the MSH3 gene, results from an A to C substitution at nucleotide position 246. The glutamic acid at codon 82 is replaced by aspartic acid, an amino acid with highly similar properties. This amino acid position is conserved. In addition, this alteration is predicted to be tolerated by in silico analysis. Since supporting evidence is limited at this time, the clinical significance of this alteration remains unclear.

NM_002439.5(MSH3):c.246A>C (p.Glu82Asp)

Gene: MSH3 (mutS homolog 3; plus strand). Cytogenetic location: 5q14.1.
Variant type: single nucleotide variant.
Coding change: c.246A>C on transcript NM_002439.5 (MANE Select); coding-DNA position 246, A replaced by C.
Protein change: p.Glu82Asp; replaces glutamic acid 82 with aspartic acid.
Molecular consequence: missense variant.
Genome position (GRCh38, 1-based): chr5:80,656,419, A>C. VCF-style: chr5-80656419-A-C. GRCh37 (hg19) VCF-style: chr5-79952238-A-C.
Other names: short protein forms E82D.
Identifiers: ClinVar variation 2624709 (VCV002624709.2), dbSNP rs780215234, ClinGen allele CA3327551.